The following is an entry in ClinVar:

ClinVar aggregate classification (germline): Uncertain significance (1 of 4 stars; one submission).

Conditions:
Hereditary cancer-predisposing syndrome. Also called: Tumor predisposition; Neoplastic Syndromes, Hereditary; Hereditary Cancer Syndrome; Hereditary neoplastic syndrome. Identifiers: Orphanet 140162, MedGen C0027672, MeSH D009386, MONDO:0015356.

Submission:

Ambry Genetics
Classification: Uncertain significance for Hereditary cancer-predisposing syndrome. Last evaluated: 2025-01-08. Review status: criteria provided, single submitter. Criteria: Ambry Variant Classification Scheme 2023. Collection method: clinical testing. Allele origin: germline.
Comment: The p.F1197Y variant (also known as c.3590T>A), located in coding exon 15 of the APC gene, results from a T to A substitution at nucleotide position 3590. The phenylalanine at codon 1197 is replaced by tyrosine, an amino acid with highly similar properties. This amino acid position is conserved. In addition, in silico predictors for this gene do not accurately predict pathogenicity. Based on the available evidence, the clinical significance of this variant remains unclear.

NM_000038.6(APC):c.3590T>A (p.Phe1197Tyr)

Gene: APC (APC regulator of Wnt signaling pathway; plus strand). Cytogenetic location: 5q22.2.
Variant type: single nucleotide variant.
Coding change: c.3590T>A on transcript NM_000038.6 (MANE Select); coding-DNA position 3590, T replaced by A.
Protein change: p.Phe1197Tyr; replaces phenylalanine 1197 with tyrosine.
Molecular consequence: missense variant. On other transcripts: non-coding transcript variant (2).
Genome position (GRCh38, 1-based): chr5:112,839,184, T>A. VCF-style: chr5-112839184-T-A. GRCh37 (hg19) VCF-style: chr5-112174881-T-A.
Other names: c.3590T>A, p.Phe1197Tyr (NM_001127510.3, NM_001354895.2, NM_001407450.1); c.3536T>A, p.Phe1179Tyr (NM_001127511.3); c.3644T>A, p.Phe1215Tyr (NM_001354896.2, NM_001407447.1, NM_001407448.1 and 1 more transcripts); c.3620T>A, p.Phe1207Tyr (NM_001354897.2); c.3515T>A, p.Phe1172Tyr (NM_001354898.2); c.3506T>A, p.Phe1169Tyr (NM_001354899.2); c.3467T>A, p.Phe1156Tyr (NM_001354900.2); c.3413T>A, p.Phe1138Tyr (NM_001354901.2, NM_001407453.1); and 11 more; short protein forms F1096Y, F1138Y, F1172Y, F1179Y, F813Y, F1037Y, F1068Y, F1169Y.
Identifiers: ClinVar variation 3881596 (VCV003881596.1).